The following is an entry in ClinVar:

ClinVar aggregate classification (germline): Uncertain significance (1 of 4 stars; one submission).

Conditions:
Anterior segment dysgenesis. Also called: Ocular anterior segment dysgenesis. Identifiers: Orphanet 88632, MedGen C1862839, MONDO:0019503, HP:0007700.
Congenital primary aphakia. Also called: Anterior segment dysgenesis 2, multiple subtypes; ANTERIOR SEGMENT DYSGENESIS 2. Identifiers: Orphanet 83461, MedGen C1853230, MONDO:0012456, OMIM 610256.

Submission:

Labcorp Genetics (formerly Invitae), Labcorp
Classification: Uncertain significance for Anterior segment dysgenesis; Congenital primary aphakia. Last evaluated: 2025-04-24. Review status: criteria provided, single submitter. Criteria: Invitae Variant Classification Sherloc (09022015). Collection method: clinical testing. Allele origin: germline.
Comment: This sequence change replaces proline, which is neutral and non-polar, with leucine, which is neutral and non-polar, at codon 227 of the FOXE3 protein (p.Pro227Leu). This variant is not present in population databases (gnomAD no frequency). This variant has not been reported in the literature in individuals affected with FOXE3-related conditions. Invitae Evidence Modeling of protein sequence and biophysical properties (such as structural, functional, and spatial information, amino acid conservation, physicochemical variation, residue mobility, and thermodynamic stability) indicates that this missense variant is not expected to disrupt FOXE3 protein function with a negative predictive value of 80%. In summary, the available evidence is currently insufficient to determine the role of this variant in disease. Therefore, it has been classified as a Variant of Uncertain Significance.

NM_012186.3(FOXE3):c.680C>T (p.Pro227Leu)

Genes: LINC01389 (long independently transcribed non-coding RNA 1389; minus strand), FOXE3 (forkhead box E3; plus strand). Cytogenetic location: 1p33.
Variant type: single nucleotide variant.
Coding change: c.680C>T on transcript NM_012186.3 (MANE Select); coding-DNA position 680, C replaced by T.
Protein change: p.Pro227Leu; replaces proline 227 with leucine.
Molecular consequence: missense variant.
Genome position (GRCh38, 1-based): chr1:47,416,995, C>T. VCF-style: chr1-47416995-C-T. GRCh37 (hg19) VCF-style: chr1-47882667-C-T.
Other names: short protein forms P227L.
Identifiers: ClinVar variation 4783419 (VCV004783419.1).